The following is an entry in ClinVar:

ClinVar aggregate classification (germline): Uncertain significance (1 of 4 stars; one submission).

Conditions:
Early-infantile DEE. Also called: Early infantile epileptic encephalopathy with suppression bursts; Early infantile epileptic encephalopathy; Ohtahara syndrome. Identifiers: Orphanet 1934, MedGen C0393706, MONDO:0800491.

Submission:

Labcorp Genetics (formerly Invitae), Labcorp
Classification: Uncertain significance for Early-infantile DEE. Last evaluated: 2025-05-11. Review status: criteria provided, single submitter. Criteria: Invitae Variant Classification Sherloc (09022015). Collection method: clinical testing. Allele origin: germline.
Comment: This variant, c.75_104del, results in the deletion of 10 amino acid(s) of the HCN1 protein (p.Ser26_Ala35del), but otherwise preserves the integrity of the reading frame. This variant is present in population databases (no rsID available, gnomAD 0.02%). This variant has not been reported in the literature in individuals affected with HCN1-related conditions. ClinVar contains an entry for this variant (Variation ID: 2713744). Experimental studies and prediction algorithms are not available or were not evaluated, and the functional significance of this variant is currently unknown. In summary, the available evidence is currently insufficient to determine the role of this variant in disease. Therefore, it has been classified as a Variant of Uncertain Significance.

NM_021072.4(HCN1):c.75_104del (p.Ser26_Ala35del)

Gene: HCN1 (hyperpolarization activated cyclic nucleotide gated potassium channel 1; minus strand). Cytogenetic location: 5p12.
Variant type: Deletion.
Coding change: c.75_104del on transcript NM_021072.4 (MANE Select); coding-DNA positions 75 to 104, 30 bases deleted (GTCCGCGACGGGCGCGGGGCCGGCCGCGGC).
Protein change: p.Ser26_Ala35del.
Molecular consequence: inframe deletion.
Genome position (GRCh38, 1-based): chr5:45,695,990-45,696,019, GCCGCGGCCGGCCCCGCGCCCGTCGCGGAC deleted on the plus strand (GTCCGCGACGGGCGCGGGGCCGGCCGCGGC on the coding strand, the reverse complement: HCN1 is on the minus strand); deleting any 30 consecutive bases within chr5:45,695,990-45,696,022 gives the same sequence; the c. name uses the placement nearest the transcript's 3' end. VCF-style (leftmost placement, unchanged base first): chr5-45695989-GGCCGCGGCCGGCCCCGCGCCCGTCGCGGAC-G. GRCh37 (hg19) VCF-style: chr5-45696091-GGCCGCGGCCGGCCCCGCGCCCGTCGCGGAC-G.
Identifiers: ClinVar variation 2713744 (VCV002713744.3), dbSNP rs1561248654, ClinGen allele CA559801804.